The following is an entry in ClinVar:

NM_004380.3(CREBBP):c.6657C>T (p.Ala2219=)

Gene: CREBBP (CREB binding lysine acetyltransferase; minus strand). Cytogenetic location: 16p13.3.
Variant type: single nucleotide variant.
Coding change: c.6657C>T on transcript NM_004380.3 (MANE Select); coding-DNA position 6657, C replaced by T.
Protein change: p.Ala2219=; no amino-acid change (alanine 2219 retained).
Molecular consequence: synonymous variant.
Genome position (GRCh38, 1-based): chr16:3,728,390, G>A on the plus strand (C>T on the coding strand, the complement: CREBBP is on the minus strand). VCF-style: chr16-3728390-G-A. GRCh37 (hg19) VCF-style: chr16-3778391-G-A.
Other names: c.6543C>T, p.Ala2181= (NM_001079846.1); c.6657C>T (NM_004380.2).
Identifiers: ClinVar variation 3012549 (VCV003012549.5), dbSNP rs777343408, ClinGen allele CA7869033.

ClinVar aggregate classification (germline): Likely benign. Review status: criteria provided, single submitter (1 of 4 stars). 2 submissions from 2 submitters: Likely benign (1). 1 of the submissions does not count toward it. Last evaluated 2025-06-12.

Conditions:
Rubinstein-Taybi syndrome (RSTS). Identifiers: Orphanet 783, MedGen C0035934, MONDO:0019188.
CREBBP-related disorder. Also called: CREBBP-related condition; CREBBP-related disorders.

Allele frequency attached by ClinVar (database versions not stated): ExAC 0.00001; gnomAD exomes 0.00001.
gnomAD v4.1: 19 of 1,613,530 alleles (0.0012%); highest among the groups gnomAD compares: Admixed American, 0.005%; no homozygotes.

Submissions (2):

Labcorp Genetics (formerly Invitae), Labcorp
Classification: Likely benign for Rubinstein-Taybi syndrome. Last evaluated: 2025-06-12. Review status: criteria provided, single submitter. Criteria: Invitae Variant Classification Sherloc (09022015). Collection method: clinical testing. Allele origin: germline.

PreventionGenetics, part of Exact Sciences
Classification: Likely benign for CREBBP-related condition. Last evaluated: 2022-04-04. Review status: no assertion criteria provided. Collection method: clinical testing. Allele origin: germline. Not counted in ClinVar's aggregate classification.
Comment: This variant is classified as likely benign based on ACMG/AMP sequence variant interpretation guidelines (Richards et al. 2015 PMID: 25741868, with internal and published modifications).